The following is an entry in ClinVar:

NM_014946.4(SPAST):c.139A>T (p.Lys47Ter)

Gene: SPAST (spastin; plus strand). Cytogenetic location: 2p22.3.
Variant type: single nucleotide variant.
Coding change: c.139A>T on transcript NM_014946.4 (MANE Select); coding-DNA position 139, A replaced by T.
Protein change: p.Lys47Ter; replaces lysine 47 with a stop codon.
Molecular consequence: nonsense.
Genome position (GRCh38, 1-based): chr2:32,063,970, A>T. VCF-style: chr2-32063970-A-T. GRCh37 (hg19) VCF-style: chr2-32289039-A-T.
Other names: c.139A>T, p.Lys47Ter (NM_001363823.2, NM_001363875.2, NM_001377959.1 and 1 more transcripts); short protein forms K47*.
Identifiers: ClinVar variation 994979 (VCV000994979.1), dbSNP rs1553394475, ClinGen allele CA346601438.

ClinVar aggregate classification (germline): Pathogenic (1 of 4 stars; one submission).

Submission:

Athena Diagnostics
Classification: Pathogenic. Last evaluated: 2020-08-13. Review status: criteria provided, single submitter. Criteria: Athena Diagnostics Criteria. Collection method: clinical testing. Allele origin: unknown.
Comment: The variant creates a premature nonsense codon, and is therefore predicted to result in the loss of a functional protein. Found in at least one patient with expected phenotype for this gene, and not found in general population data.

Literature cited by the submitters: PubMed 24451228; PubMed 28389476.